The following is an entry in ClinVar:

ClinVar aggregate classification (germline): Uncertain significance (1 of 4 stars; one submission).

Conditions:
Developmental and epileptic encephalopathy, 23 (DEE23). Also called: Epileptic encephalopathy, early infantile, 23. Identifiers: Orphanet 411986, MedGen C4014492, MONDO:0014371, OMIM 615859.

Allele frequency attached by ClinVar (database versions not stated): gnomAD 0.00003 and 0.00004; gnomAD exomes 0.00005; TOPMed 0.00005; ExAC 0.00008.
gnomAD v4.1: 117 of 1,613,732 alleles (0.0073%); highest among the groups gnomAD compares: Non-Finnish European, 0.0092%; no homozygotes.

Submission:

Labcorp Genetics (formerly Invitae), Labcorp
Classification: Uncertain significance for Developmental and epileptic encephalopathy, 23. Last evaluated: 2022-07-14. Review status: criteria provided, single submitter. Criteria: Invitae Variant Classification Sherloc (09022015). Collection method: clinical testing. Allele origin: germline.
Comment: This sequence change replaces cysteine, which is neutral and slightly polar, with arginine, which is basic and polar, at codon 523 of the DOCK7 protein (p.Cys523Arg). This variant is present in population databases (rs747915572, gnomAD 0.01%). This variant has not been reported in the literature in individuals affected with DOCK7-related conditions. ClinVar contains an entry for this variant (Variation ID: 576057). Algorithms developed to predict the effect of missense changes on protein structure and function are either unavailable or do not agree on the potential impact of this missense change (SIFT: "Tolerated"; PolyPhen-2: "Possibly Damaging"; Align-GVGD: "Class C0"). In summary, the available evidence is currently insufficient to determine the role of this variant in disease. Therefore, it has been classified as a Variant of Uncertain Significance.

NM_001367561.1(DOCK7):c.1567T>C (p.Cys523Arg)

Gene: DOCK7 (dedicator of cytokinesis 7; minus strand). Cytogenetic location: 1p31.3.
Variant type: single nucleotide variant.
Coding change: c.1567T>C on transcript NM_001367561.1 (MANE Select); coding-DNA position 1567, T replaced by C.
Protein change: p.Cys523Arg; replaces cysteine 523 with arginine.
Molecular consequence: missense variant.
Genome position (GRCh38, 1-based): chr1:62,618,821, A>G on the plus strand (T>C on the coding strand, the complement: DOCK7 is on the minus strand). VCF-style: chr1-62618821-A-G. GRCh37 (hg19) VCF-style: chr1-63084492-A-G.
Other names: c.1567T>C, p.Cys523Arg (NM_001271999.2, NM_001272000.2, NM_001272001.2 and 3 more transcripts); short protein forms C523R.
Identifiers: ClinVar variation 576057 (VCV000576057.5), dbSNP rs747915572, ClinGen allele CA886912.